The following is an entry in ClinVar:

ClinVar aggregate classification (germline): Uncertain significance. Review status: criteria provided, multiple submitters, no conflicts (2 of 4 stars). 2 submissions from 2 submitters: Uncertain significance (2). Last evaluated 2022-06-24.

Conditions:
Hereditary pancreatitis (PCTT). Also called: Hereditary chronic pancreatitis; PRSS1-Related Hereditary Pancreatitis. Identifiers: Orphanet 676, MedGen C0238339, MONDO:0008185, OMIM 167800.

Submissions (2):

Women's Health and Genetics/Laboratory Corporation of America, LabCorp
Classification: Uncertain significance. Last evaluated: 2022-06-24. Review status: criteria provided, single submitter. Criteria: LabCorp Variant Classification Summary - May 2015. Collection method: clinical testing. Allele origin: germline.
Comment: Variant summary: PRSS1 c.-28_-8del21 is located in the untranslated mRNA region upstream of the initiation codon. The variant allele was found at a frequency of 2.6e-05 in 271190 control chromosomes. The available data on variant occurrences in the general population are insufficient to allow any conclusion about variant significance. To our knowledge, no occurrence of c.-28_-8del21 in individuals affected with Chronic Pancreatitis Risk and no experimental evidence demonstrating its impact on protein function have been reported. No clinical diagnostic laboratories have submitted clinical-significance assessments for this variant to ClinVar after 2014. Based on the evidence outlined above, the variant was classified as uncertain significance.

Ambry Genetics
Classification: Uncertain significance for Hereditary pancreatitis. Last evaluated: 2015-07-16. Review status: criteria provided, single submitter. Criteria: Ambry Variant Classification Scheme 2023. Collection method: clinical testing. Allele origin: germline.
Comment: The c.-28_-8del21 variant is located in the 5' untranslated region (5'UTR) of the PRSS1 gene. This variant results from a deletion of 21 nucleotides at positions c.-28 to c.-8. This variant was not reported in population based cohorts in the following databases: Database of Single Nucleotide Polymorphisms (dbSNP), NHLBI Exome Sequencing Project (ESP), and 1000 Genomes Project. In the ESP, this variant was not observed in 6503 samples (13006 alleles) with coverage at this position. These nucleotide positions are poorly conserved in available vertebrate species. Since supporting evidence is limited at this time, the clinical significance of this variant remains unclear.

NM_002769.4(PRSS1):c.-28_-8del21

Genes: PRSS1 (serine protease 1; plus strand), TRB (T cell receptor beta locus; plus strand). Cytogenetic location: 7q34.
Variant type: Deletion.
Coding change: c.-28_-8del21 on transcript NM_002769.4; 28 bases upstream of the start codon through 8 bases upstream of the start codon, 21 bases deleted (CACCACCAGTCAGGCACACTC).
Genome position (GRCh38, 1-based): chr7:142,749,457-142,749,477, CACCACCAGTCAGGCACACTC deleted; deleting any 21 consecutive bases within chr7:142,749,454-142,749,477 gives the same sequence; the c. name uses the placement nearest the transcript's 3' end. VCF-style (leftmost placement, unchanged base first): chr7-142749453-CCTCCACCACCAGTCAGGCACA-C. GRCh37 (hg19) VCF-style: chr7-142457304-CCTCCACCACCAGTCAGGCACA-C.
Identifiers: ClinVar variation 1698632 (VCV001698632.3), dbSNP rs755789680, ClinGen allele CA4529570.